The following is an entry in ClinVar:

ClinVar aggregate classification (germline): Likely pathogenic. Review status: criteria provided, multiple submitters, no conflicts (2 of 4 stars). 2 submissions from 2 submitters: Likely pathogenic (2). Last evaluated 2025-05-06.

Conditions:
Interstitial lung disease due to ABCA3 deficiency. Also called: PULMONARY ALVEOLAR PROTEINOSIS, CONGENITAL, 3. Identifiers: Orphanet 440402, MedGen C1970456, MONDO:0012582, OMIM 610921.

Allele frequency attached by ClinVar (database versions not stated): gnomAD exomes below 0.00001; ExAC 0.00001.
gnomAD v4.1: 1 of 1,613,530 alleles (0.000062%); no homozygotes.

Submissions (2):

Myriad Genetics, Inc.
Classification: Likely pathogenic for Interstitial lung disease due to ABCA3 deficiency. Last evaluated: 2025-05-06. Review status: criteria provided, single submitter. Criteria: Myriad Autosomal Dominant, Autosomal Recessive and X-Linked Classification Criteria (2023). Collection method: clinical testing. Allele origin: unknown.
Comment: NM_001089.2(ABCA3):c.614-2A>G is a variant in a canonical splice site classified as likely pathogenic in the context of surfactant deficiency, ABCA3-related. c.614-2A>G has been observed in a case with relevant disease (PMID: 30755392). Relevant functional assessments of this variant are not available in the literature. c.614-2A>G has not been observed in referenced population frequency databases. In summary, NM_001089.2(ABCA3):c.614-2A>G is a variant in a canonical splice site in a gene where loss of function is a known mechanism of disease, is predicted to disrupt protein function, and has been observed more frequently in cases with the relevant disease than in healthy populations. Please note: this variant was assessed in the context of healthy population screening.

Center for Personalized Medicine, Children's Hospital Los Angeles
Classification: Likely pathogenic. Last evaluated: 2018-11-19. Review status: criteria provided, single submitter. Criteria: ACMG Guidelines, 2015. Collection method: clinical testing. Allele origin: germline. Affected: yes.

Literature cited by the submitters: PubMed 30755392 (cited by Myriad Genetics, Inc.).

NM_001089.3(ABCA3):c.614-2A>G

Gene: ABCA3 (ATP binding cassette subfamily A member 3; minus strand). Cytogenetic location: 16p13.3.
Variant type: single nucleotide variant.
Coding change: c.614-2A>G on transcript NM_001089.3 (MANE Select); the canonical splice acceptor site of the intron before coding-DNA position 614, A replaced by G.
Molecular consequence: splice acceptor variant.
Genome position (GRCh38, 1-based): chr16:2,319,842, T>C on the plus strand (A>G on the coding strand, the complement: ABCA3 is on the minus strand). VCF-style: chr16-2319842-T-C. GRCh37 (hg19) VCF-style: chr16-2369843-T-C.
Identifiers: ClinVar variation 598980 (VCV000598980.7), dbSNP rs773223403, ClinGen allele CA7841573.